The following is an entry in ClinVar:

ClinVar aggregate classification (germline): Uncertain significance. Review status: reviewed by expert panel (3 of 4 stars). 6 submissions from 6 submitters: Uncertain significance (1). 5 of the submissions do not count toward it. Last evaluated 2019-11-10.

Conditions:
Phenylketonuria (PKU). Also called: FOLLING DISEASE; Phenylketonurias; OLIGOPHRENIA PHENYLPYRUVICA; Phenylketonuria (PKU). Identifiers: Orphanet 716, MedGen C0031485, MONDO:0009861, OMIM 261600. Disease mechanism: loss of function.

Submissions (6):

ClinGen PAH Variant Curation Expert Panel
Classification: Uncertain significance for Phenylketonuria. Last evaluated: 2019-11-10. Review status: reviewed by expert panel. Criteria: ClinGen PAH ACMG Specifications v1. Collection method: curation. Allele origin: germline. Inheritance: Autosomal recessive inheritance.
Comment: The c.168G>A (p.Glu56=) variant in PAH has been reported as a polymoprhism. It was found in Arab patients' DNA, including patients and controls (zygosity not reported). (BS2; PMID: 18299955) However, this variant is absent from 1000G, ESP, ExAC and gnomAD (PM2). While it is a synonymous variant, alteration of the WT donor site affecting splicing is suggested by Human Splicing Finder and Alamut (PP3). It was observed in cis with a pathogenic variant, IVS2+1G>A (BP2; PMID: 24368688). In summary, this variant meets criteria to be classified as uncertain significance for PAH due to conflicting evidence. ACMG/AMP criteria applied: BS2, BP2, PM2, PP3.

CeGaT Center for Human Genetics Tuebingen
Classification: Likely pathogenic. Last evaluated: 2026-04-01. Review status: criteria provided, single submitter. Criteria: CeGaT Center For Human Genetics Tuebingen Variant Classification Criteria Version 2. Collection method: clinical testing. Allele origin: germline. Affected: yes. Observed: 1 variant allele. Not counted in ClinVar's aggregate classification.
Comment: PAH: PM2, PM3, PP4:Moderate, PP3, BP2

Fulgent Genetics
Classification: Uncertain significance for Phenylketonuria. Last evaluated: 2022-01-14. Review status: criteria provided, single submitter. Criteria: ACMG Guidelines, 2015. Collection method: clinical testing. Allele origin: unknown. Not counted in ClinVar's aggregate classification.

Breakthrough Genomics
Classification: Uncertain significance. Review status: criteria provided, single submitter. Criteria: ACMG Guidelines, 2015. Collection method: not provided. Allele origin: germline. Inheritance: Autosomal recessive inheritance. Affected: yes. Not counted in ClinVar's aggregate classification.

PreventionGenetics, part of Exact Sciences
Classification: Likely benign. Review status: criteria provided, single submitter. Criteria: ACMG Guidelines, 2015. Collection method: clinical testing. Allele origin: germline. Not counted in ClinVar's aggregate classification.

DeBelle Laboratory for Biochemical Genetics, MUHC/MCH RESEARCH INSTITUTE
No classification provided. Review status: no classification provided. Collection method: not provided. Allele origin: not provided. Not counted in ClinVar's aggregate classification.

Literature cited by the submitters: PubMed 24368688 (cited by ClinGen PAH Variant Curation Expert Panel); PubMed 18299955 (cited by ClinGen PAH Variant Curation Expert Panel).

NM_000277.3(PAH):c.168G>A (p.Glu56=)

Gene: PAH (phenylalanine hydroxylase; minus strand). Cytogenetic location: 12q23.2.
Variant type: single nucleotide variant.
Coding change: c.168G>A on transcript NM_000277.3 (MANE Select); coding-DNA position 168, G replaced by A.
Protein change: p.Glu56=; no amino-acid change (glutamic acid 56 retained).
Molecular consequence: synonymous variant.
Genome position (GRCh38, 1-based): chr12:102,912,791, C>T on the plus strand (G>A on the coding strand, the complement: PAH is on the minus strand). VCF-style: chr12-102912791-C-T. GRCh37 (hg19) VCF-style: chr12-103306569-C-T.
Other names: c.168G>A, p.Glu56= (NM_001354304.2).
Identifiers: ClinVar variation 102609 (VCV000102609.7), dbSNP rs199475567, ClinGen allele CA229457.